The following is an entry in ClinVar:

NM_001035.3(RYR2):c.13033G>C (p.Asp4345His)

Genes: RYR2 (ryanodine receptor 2; plus strand), LOC126806068 (BRD4-independent group 4 enhancer GRCh37_chr1:237947411-237948610; plus strand). Cytogenetic location: 1q43.
Variant type: single nucleotide variant.
Coding change: c.13033G>C on transcript NM_001035.3 (MANE Select); coding-DNA position 13033, G replaced by C.
Protein change: p.Asp4345His; replaces aspartic acid 4345 with histidine.
Molecular consequence: missense variant.
Genome position (GRCh38, 1-based): chr1:237,784,745, G>C. VCF-style: chr1-237784745-G-C. GRCh37 (hg19) VCF-style: chr1-237948045-G-C.
Other names: short protein forms D4345H.
Identifiers: ClinVar variation 4757266 (VCV004757266.1).
Genomic context (GRCh38, chr1:237,784,745, plus strand): 5'-ATCAAAGTTGCAGAACTGTTAGCCAACATGCCAGACCCCACTCAGGATGAGGTTAGAGGA[G>C]ATGGGGAGGAGGGAGAGAGGAAACCCCTGGAAGCCGCCCTGCCCTCCGAGGATCTGACCG-3'
Protein context (NP_001026.2, residues 4335-4355): PDPTQDEVRG[Asp4345His]GEEGERKPLE

ClinVar aggregate classification (germline): Uncertain significance (1 of 4 stars; one submission).

Conditions:
Cardiomyopathy (CMYO). Also called: Cardiomyopathies. Identifiers: Orphanet 167848, MedGen C0878544, MONDO:0004994, HP:0001638. Inheritance: Various modes of inheritance.

Submission:

Color Diagnostics, LLC DBA Color Health
Classification: Uncertain significance for Cardiomyopathy. Last evaluated: 2025-06-23. Review status: criteria provided, single submitter. Criteria: ACMG Guidelines, 2015. Collection method: clinical testing. Allele origin: germline.
Comment: This missense variant replaces aspartic acid with histidine at codon 4345 of the RYR2 protein. Computational prediction is inconclusive regarding the impact of this variant on protein structure and function. To our knowledge, functional studies have not been reported for this variant. This variant has not been reported in individuals affected with RYR2-related disorders in the literature. This variant has not been identified in the general population by the Genome Aggregation Database (gnomAD). The available evidence is insufficient to determine the role of this variant in disease conclusively. Therefore, this variant is classified as a Variant of Uncertain Significance.